The following is an entry in ClinVar:

NM_001355436.2(SPTB):c.5312G>A (p.Trp1771Ter)

Gene: SPTB (spectrin beta, erythrocytic; minus strand). Cytogenetic location: 14q23.3.
Variant type: single nucleotide variant.
Coding change: c.5312G>A on transcript NM_001355436.2 (MANE Select); coding-DNA position 5312, G replaced by A.
Protein change: p.Trp1771Ter; replaces tryptophan 1771 with a stop codon.
Molecular consequence: nonsense.
Genome position (GRCh38, 1-based): chr14:64,772,821, C>T on the plus strand (G>A on the coding strand, the complement: SPTB is on the minus strand). VCF-style: chr14-64772821-C-T. GRCh37 (hg19) VCF-style: chr14-65239539-C-T.
Other names: c.5312G>A, p.Trp1771Ter (NM_001024858.4, NM_001355437.2); short protein forms W1771*.
Identifiers: ClinVar variation 3900649 (VCV003900649.1).

ClinVar aggregate classification (germline): Likely pathogenic (1 of 4 stars; one submission).

Conditions:
Hereditary spherocytosis type 2. Also called: SPHEROCYTOSIS, TYPE 2, AUTOSOMAL DOMINANT. Identifiers: Orphanet 822, MedGen C2674219, MONDO:0000913, OMIM 616649.

Submission:

CGC Genetics, Unilabs
Classification: Likely pathogenic for Hereditary spherocytosis type 2. Last evaluated: 2025-04-18. Review status: criteria provided, single submitter. Criteria: ACMG Guidelines, 2015. Collection method: clinical testing. Allele origin: germline. Inheritance: Autosomal dominant inheritance. Affected: yes.
Comment: The NM_001355436.2:c.5312G>A p.(Trp1771*) variant, detected in heterozygosity in the SPTB gene (chr.14), is not described in the literature, nor reported in the population database gnomAD or in ClinVar. This is a nonsense variant, which is located in exon 26 (gene with 36 exons), that introduces a premature stop codon, which in turn is predicted to lead to the creation of a truncated protein and/or a reduction of its expression by mRNA degradation. With the available information, this should be classified as a likely pathogenic variant.